The following is an entry in ClinVar:

ClinVar aggregate classification (germline): Conflicting classifications of pathogenicity. Review status: criteria provided, conflicting classifications (1 of 4 stars). 5 submissions from 5 submitters: Uncertain significance (4); Benign (1). Last evaluated 2025-10-21.

Conditions:
Inborn genetic diseases. Identifiers: MedGen C0950123, MeSH D030342.
Amyotrophic lateral sclerosis type 4 (ALS4). Also called: AMYOTROPHIC LATERAL SCLEROSIS 4, JUVENILE; NEURONOPATHY, DISTAL HEREDITARY MOTOR, WITH PYRAMIDAL FEATURES. Identifiers: Orphanet 357043, MedGen C1865409, MONDO:0011223, OMIM 602433.
Spinocerebellar ataxia, autosomal recessive, with axonal neuropathy 2 (SCAN2). Also called: ATAXIA-OCULOMOTOR APRAXIA 2; Ataxia with Oculomotor Apraxia Type 2; Ataxia-ocular apraxia-2; Ataxia with Oculomotor Apraxia. Identifiers: Orphanet 64753, MedGen C1853761, MONDO:0018996, OMIM 606002.

Allele frequency attached by ClinVar (database versions not stated): gnomAD exomes 0.00010 and 0.00006; gnomAD 0.00004; TOPMed 0.00005; ExAC 0.00007.
gnomAD v4.1: 148 of 1,614,028 alleles (0.0092%); highest among the groups gnomAD compares: Non-Finnish European, 0.012%; 1 homozygote.

Submissions (6):

Labcorp Genetics (formerly Invitae), Labcorp
Classification: Benign for Amyotrophic lateral sclerosis type 4; Spinocerebellar ataxia, autosomal recessive, with axonal neuropathy 2. Last evaluated: 2025-10-21. Review status: criteria provided, single submitter. Criteria: Invitae Variant Classification Sherloc (09022015). Collection method: clinical testing. Allele origin: germline.

Athena Diagnostics
Classification: Uncertain significance. Last evaluated: 2025-07-18. Review status: criteria provided, single submitter. Criteria: Athena Diagnostics Criteria. Collection method: clinical testing. Allele origin: unknown.
Comment: Available data are insufficient to determine the clinical significance of the variant at this time. The frequency of this variant in the general population is uninformative in assessment of its pathogenicity. Polyphen and MutationTaster predict this amino acid change may be damaging to the protein.

GeneDx
Classification: Uncertain significance. Last evaluated: 2023-09-21. Review status: criteria provided, single submitter. Criteria: GeneDx Variant Classification Process June 2021. Collection method: clinical testing. Allele origin: germline. Affected: yes.
Comment: Reported previously in a patient with familial ALS; however, additional clinical and segregation information was not provided (Cooper-Knock et al., 2017); In silico analysis supports that this missense variant does not alter protein structure/function; This variant is associated with the following publications: (PMID: 18058631, 29170628)

Ambry Genetics
Classification: Uncertain significance for Inborn genetic diseases. Last evaluated: 2023-03-16. Review status: criteria provided, single submitter. Criteria: Ambry Variant Classification Scheme 2023. Collection method: clinical testing. Allele origin: germline.
Comment: Unlikely to be causative of SETX-related juvenile amyotrophic lateral sclerosis (AD) Based on insufficient or conflicting evidence, the clinical significance of this alteration remains unclear.

Department of Pathology and Laboratory Medicine, Sinai Health System
Classification: Uncertain significance for Spinocerebellar ataxia, autosomal recessive, with axonal neuropathy 2. Last evaluated: 2021-11-16. Review status: criteria provided, single submitter. Criteria: ACMG Guidelines, 2015. Collection method: research. Allele origin: germline.

Dr. Peter K. Rogan Lab, Western University
No classification provided (evidence only). Condition: Hepatocellular carcinoma. Review status: no classification provided. Collection method: in vitro. Allele origin: not applicable. Functional consequence: retained intron. Not counted in ClinVar's aggregate classification.

Literature cited by the submitters: PubMed 29170628 (cited by Athena Diagnostics and Ambry Genetics); PubMed 23881933 (cited by Athena Diagnostics); PubMed 18058631 (cited by Athena Diagnostics).

NM_015046.7(SETX):c.1750C>G (p.Leu584Val)

Gene: SETX (senataxin; minus strand). Cytogenetic location: 9q34.13.
Variant type: single nucleotide variant.
Coding change: c.1750C>G on transcript NM_015046.7 (MANE Select); coding-DNA position 1750, C replaced by G.
Protein change: p.Leu584Val; replaces leucine 584 with valine.
Molecular consequence: missense variant.
Genome position (GRCh38, 1-based): chr9:132,329,848, G>C on the plus strand (C>G on the coding strand, the complement: SETX is on the minus strand). VCF-style: chr9-132329848-G-C. GRCh37 (hg19) VCF-style: chr9-135205235-G-C.
Other names: c.1750C>G, p.Leu584Val (NM_001351527.2, NM_001351528.2); short protein forms L584V.
Identifiers: ClinVar variation 581423 (VCV000581423.19), dbSNP rs764995848, ClinGen allele CA5297724.
Genomic context (GRCh38, chr9:132,329,848, plus strand): 5'-TGTTACATGGAGGTGCTTTGAATTTTATGTTTCTAATAATTTGCTTTAAGCAACTTTGTA[G>C]CTCATGGGTTTCCTGACTAGTCAACTGCCAACCTAGAGATAAATTTCCTCTAAGGAATAA-3'
Protein context (NP_055861.3, residues 574-594): WQLTSQETHE[Leu584Val]QSCLKQIIRN